The following is an entry in ClinVar:

ClinVar aggregate classification (germline): Likely benign (1 of 4 stars; one submission).

Allele frequency attached by ClinVar (database versions not stated): gnomAD 0.00007; ExAC 0.00030.

Submission:

CeGaT Center for Human Genetics Tuebingen
Classification: Likely benign. Last evaluated: 2023-01-01. Review status: criteria provided, single submitter. Criteria: CeGaT Center For Human Genetics Tuebingen Variant Classification Criteria Version 2. Collection method: clinical testing. Allele origin: germline. Affected: yes. Observed: 1 variant allele.
Comment: POM121: BP4

NM_001387691.1(POM121):c.1969C>G (p.Pro657Ala)

Gene: POM121 (POM121 transmembrane nucleoporin; plus strand). Cytogenetic location: 7q11.23.
Variant type: single nucleotide variant.
Coding change: c.1969C>G on transcript NM_001387691.1 (MANE Select); coding-DNA position 1969, C replaced by G.
Protein change: p.Pro657Ala; replaces proline 657 with alanine.
Molecular consequence: missense variant.
Genome position (GRCh38, 1-based): chr7:72,941,962, C>G. VCF-style: chr7-72941962-C-G. GRCh37 (hg19) VCF-style: chr7-72412501-C-G.
Other names: c.1174C>G, p.Pro392Ala (NM_001257190.3, NM_001387685.1, NM_001387686.1 and 10 more transcripts); c.997C>G, p.Pro333Ala (NM_001367610.1, NM_001387701.1, NM_001387702.1 and 2 more transcripts); c.1792C>G, p.Pro598Ala (NM_001387692.1); c.1681C>G, p.Pro561Ala (NM_001387693.1); c.1192C>G, p.Pro398Ala (NM_001387694.1); c.886C>G, p.Pro296Ala (NM_001387705.1); short protein forms P296A, P333A, P392A, P398A, P561A, P598A, P657A.
Identifiers: ClinVar variation 2657545 (VCV002657545.24), dbSNP rs782325507, ClinGen allele CA4283509.